The following is an entry in ClinVar:

ClinVar aggregate classification (germline): Uncertain significance. Review status: criteria provided, multiple submitters, no conflicts (2 of 4 stars). 4 submissions from 4 submitters: Uncertain significance (3). 1 of the submissions does not count toward it. Last evaluated 2024-05-09.

Conditions:
Inborn genetic diseases. Identifiers: MedGen C0950123, MeSH D030342.
Retinal dystrophy. Also called: Inherited retinal dystrophy. Identifiers: Orphanet 71862, MedGen C0854723, MeSH D058499, MONDO:0019118, HP:0000556.

Allele frequency attached by ClinVar (database versions not stated): gnomAD 0.00003; gnomAD exomes 0.00004 and 0.00012; TOPMed 0.00005.
gnomAD v4.1: 151 of 1,397,014 alleles (0.011%); highest among the groups gnomAD compares: Non-Finnish European, 0.014%; no homozygotes.

Submissions (4):

Ambry Genetics
Classification: Uncertain significance for Inborn genetic diseases. Last evaluated: 2024-05-09. Review status: criteria provided, single submitter. Criteria: Ambry Variant Classification Scheme 2023. Collection method: clinical testing. Allele origin: germline.

Blueprint Genetics
Classification: Uncertain significance. Last evaluated: 2024-01-12. Review status: criteria provided, single submitter. Criteria: ACMG Guidelines, 2015. Collection method: clinical testing. Allele origin: germline.

Labcorp Genetics (formerly Invitae), Labcorp
Classification: Uncertain significance. Last evaluated: 2022-07-14. Review status: criteria provided, single submitter. Criteria: Invitae Variant Classification Sherloc (09022015). Collection method: clinical testing. Allele origin: germline.
Comment: This variant is present in population databases (rs771920596, gnomAD 0.008%). This sequence change replaces methionine, which is neutral and non-polar, with valine, which is neutral and non-polar, at codon 605 of the CEP78 protein (p.Met605Val). This variant has not been reported in the literature in individuals affected with CEP78-related conditions. In summary, the available evidence is currently insufficient to determine the role of this variant in disease. Therefore, it has been classified as a Variant of Uncertain Significance. Algorithms developed to predict the effect of missense changes on protein structure and function are either unavailable or do not agree on the potential impact of this missense change (SIFT: "Deleterious"; PolyPhen-2: "Possibly Damaging"; Align-GVGD: "Class C0"). ClinVar contains an entry for this variant (Variation ID: 1404806).

Institute of Human Genetics, Univ. Regensburg, Univ. Regensburg
Classification: Uncertain significance for Retinal dystrophy. Last evaluated: 2023-01-01. Review status: no assertion criteria provided. Criteria: ACMG Guidelines, 2015. Collection method: clinical testing. Allele origin: germline. Affected: yes. Not counted in ClinVar's aggregate classification.

NM_001330691.3(CEP78):c.1810A>G (p.Met604Val)

Gene: CEP78 (centrosomal protein 78; plus strand). Cytogenetic location: 9q21.2.
Variant type: single nucleotide variant.
Coding change: c.1810A>G on transcript NM_001330691.3 (MANE Select); coding-DNA position 1810, A replaced by G.
Protein change: p.Met604Val; replaces methionine 604 with valine.
Molecular consequence: missense variant. On other transcripts: intron variant (4).
Genome position (GRCh38, 1-based): chr9:78,265,871, A>G. VCF-style: chr9-78265871-A-G. GRCh37 (hg19) VCF-style: chr9-80880787-A-G.
Other names: c.1813A>G, p.Met605Val (NM_001098802.3, NM_001349839.2); c.1810A>G, p.Met604Val (NM_001349838.2); c.1800+328A>G (NM_001349840.2, NM_032171.3); c.1797+328A>G (NM_001330693.3, NM_001330694.2); c.1813A>G (NM_001098802.1); short protein forms M604V, M605V.
Identifiers: ClinVar variation 1404806 (VCV001404806.8), dbSNP rs771920596, ClinGen allele CA5095364.